The following is an entry in ClinVar:

ClinVar aggregate classification (germline): Likely benign. Review status: criteria provided, multiple submitters, no conflicts (2 of 4 stars). 3 submissions from 3 submitters: Likely benign (3). Last evaluated 2023-05-01.

Allele frequency attached by ClinVar (database versions not stated): TOPMed 0.00013.
gnomAD v4.1: 180 of 1,585,916 alleles (0.011%); highest among the groups gnomAD compares: Admixed American, 0.02%; 1 homozygote.

Submissions (3):

CeGaT Center for Human Genetics Tuebingen
Classification: Likely benign. Last evaluated: 2023-05-01. Review status: criteria provided, single submitter. Criteria: CeGaT Center For Human Genetics Tuebingen Variant Classification Criteria Version 2. Collection method: clinical testing. Allele origin: germline. Affected: yes. Observed: 1 variant allele.
Comment: H1-4: BP4, BP7

Labcorp Genetics (formerly Invitae), Labcorp
Classification: Likely benign. Last evaluated: 2018-05-15. Review status: criteria provided, single submitter. Criteria: Invitae Variant Classification Sherloc (09022015). Collection method: clinical testing. Allele origin: germline.

Breakthrough Genomics
Classification: Likely benign. Review status: criteria provided, single submitter. Criteria: ACMG Guidelines, 2015. Collection method: not provided. Allele origin: germline. Inheritance: Autosomal dominant inheritance. Affected: yes.

NM_005321.3(H1-4):c.15G>A (p.Ala5=)

Gene: H1-4 (H1.4 linker histone, cluster member; plus strand). Cytogenetic location: 6p22.2.
Variant type: single nucleotide variant.
Coding change: c.15G>A on transcript NM_005321.3 (MANE Select); coding-DNA position 15, G replaced by A.
Protein change: p.Ala5=; no amino-acid change (alanine 5 retained).
Molecular consequence: synonymous variant.
Genome position (GRCh38, 1-based): chr6:26,156,405, G>A. VCF-style: chr6-26156405-G-A. GRCh37 (hg19) VCF-style: chr6-26156633-G-A.
Identifiers: ClinVar variation 746017 (VCV000746017.28), dbSNP rs781753197, ClinGen allele CA3667822.